The following is an entry in ClinVar:

ClinVar aggregate classification (germline): Uncertain significance (1 of 4 stars; one submission).

Submission:

Labcorp Genetics (formerly Invitae), Labcorp
Classification: Uncertain significance. Last evaluated: 2025-01-01. Review status: criteria provided, single submitter. Criteria: Invitae Variant Classification Sherloc (09022015). Collection method: clinical testing. Allele origin: germline.
Comment: This sequence change replaces glutamic acid, which is acidic and polar, with aspartic acid, which is acidic and polar, at codon 85 of the PROM1 protein (p.Glu85Asp). This variant is not present in population databases (gnomAD no frequency). This variant has not been reported in the literature in individuals affected with PROM1-related conditions. Invitae Evidence Modeling of protein sequence and biophysical properties (such as structural, functional, and spatial information, amino acid conservation, physicochemical variation, residue mobility, and thermodynamic stability) indicates that this missense variant is not expected to disrupt PROM1 protein function with a negative predictive value of 80%. In summary, the available evidence is currently insufficient to determine the role of this variant in disease. Therefore, it has been classified as a Variant of Uncertain Significance.

NM_006017.3(PROM1):c.255A>T (p.Glu85Asp)

Gene: PROM1 (prominin 1; minus strand). Cytogenetic location: 4p15.32.
Variant type: single nucleotide variant.
Coding change: c.255A>T on transcript NM_006017.3 (MANE Select); coding-DNA position 255, A replaced by T.
Protein change: p.Glu85Asp; replaces glutamic acid 85 with aspartic acid.
Molecular consequence: missense variant.
Genome position (GRCh38, 1-based): chr4:16,038,967, T>A on the plus strand (A>T on the coding strand, the complement: PROM1 is on the minus strand). VCF-style: chr4-16038967-T-A. GRCh37 (hg19) VCF-style: chr4-16040590-T-A.
Other names: c.255A>T, p.Glu85Asp (NM_001371408.1, NM_001371406.1, NM_001371407.1 and 6 more transcripts); short protein forms E85D.
Identifiers: ClinVar variation 3610831 (VCV003610831.2).